The following is an entry in ClinVar:

ClinVar aggregate classification (germline): Pathogenic. Review status: criteria provided, single submitter (1 of 4 stars). 2 submissions from 2 submitters: Pathogenic (1). 1 of the submissions does not count toward it. Last evaluated 2021-06-09.

Conditions:
Myopathy, reducing body, X-linked, early-onset, severe (RBMX1A). Also called: REDUCING BODY MYOPATHY, X-LINKED 1, SEVERE, WITH INFANTILE OR EARLY CHILDHOOD ONSET. Identifiers: Orphanet 97239, MedGen C4225423, MONDO:0010414, OMIM 300717.
X-linked myopathy with postural muscle atrophy. Also called: FHL1-Related Emery-Dreifuss Muscular Dystrophy, X-Linked. Identifiers: Orphanet 178461, MedGen C2678055, MONDO:0010401, OMIM 300696.

Submissions (2):

Labcorp Genetics (formerly Invitae), Labcorp
Classification: Pathogenic for X-linked myopathy with postural muscle atrophy. Last evaluated: 2021-06-09. Review status: criteria provided, single submitter. Criteria: Invitae Variant Classification Sherloc (09022015). Collection method: clinical testing. Allele origin: germline.
Comment: This variant disrupts the p.Cys150 amino acid residue in FHL1. Other variant(s) that disrupt this residue have been determined to be pathogenic (Invitae). This suggests that this residue is clinically significant, and that variants that disrupt this residue are likely to be disease-causing. This sequence change replaces cysteine with tyrosine at codon 150 of the FHL1 protein (p.Cys150Tyr). The cysteine residue is highly conserved and there is a large physicochemical difference between cysteine and tyrosine. This variant is not present in population databases (ExAC no frequency). This variant has been observed in individual(s) with myopathy (PMID: 19171836, Invitae). In at least one individual the variant was observed to be de novo. ClinVar contains an entry for this variant (Variation ID: 11554). Algorithms developed to predict the effect of missense changes on protein structure and function (SIFT, PolyPhen-2, Align-GVGD) all suggest that this variant is likely to be disruptive, but these predictions have not been confirmed by published functional studies and their clinical significance is uncertain. For these reasons, this variant has been classified as Pathogenic.

OMIM
Classification: Pathogenic for REDUCING BODY MYOPATHY, X-LINKED 1, SEVERE, WITH INFANTILE OR EARLY CHILDHOOD ONSET. Last evaluated: 2009-01-27. Review status: no assertion criteria provided. Collection method: literature only. Allele origin: germline. Not counted in ClinVar's aggregate classification.

Literature cited by the submitters: PubMed 19171836 (cited by Labcorp Genetics (formerly Invitae), Labcorp and OMIM); PubMed 7722535 (cited by OMIM).

NM_001159699.2(FHL1):c.497G>A (p.Cys166Tyr)

Gene: FHL1 (four and a half LIM domains 1; plus strand). Cytogenetic location: Xq26.3.
Variant type: single nucleotide variant.
Coding change: c.497G>A on transcript NM_001159699.2 (MANE Select); coding-DNA position 497, G replaced by A.
Protein change: p.Cys166Tyr; replaces cysteine 166 with tyrosine.
Molecular consequence: missense variant. On other transcripts: non-coding transcript variant (1).
Genome position (GRCh38, 1-based): chrX:136,207,909, G>A. VCF-style: chrX-136207909-G-A. GRCh37 (hg19) VCF-style: chrX-135290068-G-A.
Other names: c.449G>A, p.Cys150Tyr (NM_001159700.2, NM_001159702.3, NM_001159703.2 and 9 more transcripts); c.536G>A, p.Cys179Tyr (NM_001159701.2); c.497G>A, p.Cys166Tyr (NM_001330659.2); short protein forms C150Y, C166Y, C179Y.
Identifiers: ClinVar variation 11554 (VCV000011554.8), dbSNP rs122459146, ClinGen allele CA121552.
Genomic context (GRCh38, chrX:136,207,909, plus strand): 5'-GTAACTGCAAGCAAGTCATCGGGACTGGAAGCTTCTTCCCTAAAGGGGAGGACTTCTACT[G>A]CGTGACTTGCCATGAGACCAAGTTTGCCAAGCATTGCGTGAAGTGCAACAAGGTATGCTT-3'
Protein context (NP_001153171.1, residues 156-176): SFFPKGEDFY[Cys166Tyr]VTCHETKFAK